The following is an entry in ClinVar:

NM_000053.4(ATP7B):c.*1744C>T

Genes: ATP7B (ATPase copper transporting beta; minus strand), TMEM272 (transmembrane protein 272; minus strand). Cytogenetic location: 13q14.3.
Variant type: single nucleotide variant.
Coding change: c.*1744C>T on transcript NM_000053.4 (MANE Select); 1744 bases downstream of the stop codon, C replaced by T.
Molecular consequence: 3 prime UTR variant.
Genome position (GRCh38, 1-based): chr13:51,933,012, G>A on the plus strand (C>T on the coding strand, the complement: ATP7B is on the minus strand). VCF-style: chr13-51933012-G-A. GRCh37 (hg19) VCF-style: chr13-52507148-G-A.
Other names: c.*1744C>T (NM_001005918.3, NM_001243182.2, NM_001330578.2 and 1 more transcripts).
Identifiers: ClinVar variation 881669 (VCV000881669.5), dbSNP rs9535794, ClinGen allele CA250068051.

ClinVar aggregate classification (germline): Likely benign. Review status: criteria provided, multiple submitters, no conflicts (2 of 4 stars). 2 submissions from 2 submitters: Likely benign (2). Last evaluated 2018-01-13.

Conditions:
Wilson disease (WND). Also called: Wilson's disease. Identifiers: Orphanet 905, MedGen C0019202, MONDO:0010200, OMIM 277900. Disease mechanism: loss of function.

Allele frequency attached by ClinVar (database versions not stated): 1000 Genomes Project 0.02117; 1000 Genomes Project 30x 0.02202; TOPMed 0.02823.

Submissions (2):

Illumina Laboratory Services, Illumina
Classification: Likely benign for Wilson disease. Last evaluated: 2018-01-13. Review status: criteria provided, single submitter. Criteria: ICSL Variant Classification Criteria 13 December 2019. Collection method: clinical testing. Allele origin: germline.
Comment: This variant was observed in the ICSL laboratory as part of a predisposition screen in an ostensibly healthy population. It had not been previously curated by ICSL or reported in the Human Gene Mutation Database (HGMD: prior to June 1st, 2018), and was therefore a candidate for classification through an automated scoring system. Utilizing variant allele frequency, disease prevalence and penetrance estimates, and inheritance mode, an automated score was calculated to assess if this variant is too frequent to cause the disease. Based on the score and internal cut-off values, a variant classified as likely benign is not then subjected to further curation. The score for this variant resulted in a classification of likely benign for this disease.

Breakthrough Genomics
Classification: Likely benign. Review status: criteria provided, single submitter. Criteria: ACMG Guidelines, 2015. Collection method: not provided. Allele origin: germline. Inheritance: Autosomal recessive inheritance. Affected: yes.